The following is an entry in ClinVar:

ClinVar aggregate classification (germline): Uncertain significance (1 of 4 stars; one submission).

Conditions:
Long QT syndrome (LQTS). Identifiers: MedGen C0023976, MeSH D008133, MONDO:0002442. Disease mechanism: loss of function. Inheritance: Various modes of inheritance.

Submission:

Labcorp Genetics (formerly Invitae), Labcorp
Classification: Uncertain significance for Long QT syndrome. Last evaluated: 2026-01-22. Review status: criteria provided, single submitter. Criteria: Invitae Variant Classification Sherloc (09022015). Collection method: clinical testing. Allele origin: germline.
Comment: This sequence change replaces isoleucine, which is neutral and non-polar, with methionine, which is neutral and non-polar, at codon 114 of the CAV3 protein (p.Ile114Met). This variant is not present in population databases (gnomAD no frequency). This variant has not been reported in the literature in individuals affected with CAV3-related conditions. An algorithm developed to predict the effect of missense changes on protein structure and function outputs the following: PolyPhen-2: "Benign". The methionine amino acid residue is found in multiple mammalian species, which suggests that this missense change does not adversely affect protein function. In summary, the available evidence is currently insufficient to determine the role of this variant in disease. Therefore, it has been classified as a Variant of Uncertain Significance.

NM_033337.3(CAV3):c.342C>G (p.Ile114Met)

Genes: CAV3 (caveolin 3; plus strand), OXTR (oxytocin receptor; minus strand). Cytogenetic location: 3p25.3.
Variant type: single nucleotide variant.
Coding change: c.342C>G on transcript NM_033337.3 (MANE Select); coding-DNA position 342, C replaced by G.
Protein change: p.Ile114Met; replaces isoleucine 114 with methionine.
Molecular consequence: missense variant.
Genome position (GRCh38, 1-based): chr3:8,745,753, C>G. VCF-style: chr3-8745753-C-G. GRCh37 (hg19) VCF-style: chr3-8787439-C-G.
Other names: c.342C>G, p.Ile114Met (NM_001234.5); short protein forms I114M.
Identifiers: ClinVar variation 4811763 (VCV004811763.1).